The following is an entry in ClinVar:

ClinVar aggregate classification (germline): Uncertain significance (1 of 4 stars; one submission).

Conditions:
Familial temporal lobe epilepsy 7. Identifiers: Orphanet 101046, MedGen C4225327, MONDO:0014639, OMIM 616436.
Norman-Roberts syndrome (LIS2). Also called: Lissencephaly 2 (Norman-Roberts type). Identifiers: Orphanet 89844, MedGen C0796089, MONDO:0009760, OMIM 257320.

Allele frequency attached by ClinVar (database versions not stated): gnomAD exomes below 0.00001; gnomAD 0.00001.
gnomAD v4.1: 2 of 1,613,300 alleles (0.00012%); highest among the groups gnomAD compares: African/African-American, 0.0027%; no homozygotes.

Submission:

Labcorp Genetics (formerly Invitae), Labcorp
Classification: Uncertain significance for Familial temporal lobe epilepsy 7; Norman-Roberts syndrome. Last evaluated: 2022-11-29. Review status: criteria provided, single submitter. Criteria: Invitae Variant Classification Sherloc (09022015). Collection method: clinical testing. Allele origin: germline.
Comment: In summary, the available evidence is currently insufficient to determine the role of this variant in disease. Therefore, it has been classified as a Variant of Uncertain Significance. Advanced modeling of protein sequence and biophysical properties (such as structural, functional, and spatial information, amino acid conservation, physicochemical variation, residue mobility, and thermodynamic stability) performed at Invitae indicates that this missense variant is not expected to disrupt RELN protein function. ClinVar contains an entry for this variant (Variation ID: 1017943). This variant has not been reported in the literature in individuals affected with RELN-related conditions. This variant is not present in population databases (gnomAD no frequency). This sequence change replaces cysteine, which is neutral and slightly polar, with phenylalanine, which is neutral and non-polar, at codon 1270 of the RELN protein (p.Cys1270Phe).

NM_005045.4(RELN):c.3809G>T (p.Cys1270Phe)

Gene: RELN (reelin; minus strand). Cytogenetic location: 7q22.1.
Variant type: single nucleotide variant.
Coding change: c.3809G>T on transcript NM_005045.4 (MANE Select); coding-DNA position 3809, G replaced by T.
Protein change: p.Cys1270Phe; replaces cysteine 1270 with phenylalanine.
Molecular consequence: missense variant.
Genome position (GRCh38, 1-based): chr7:103,593,785, C>A on the plus strand (G>T on the coding strand, the complement: RELN is on the minus strand). VCF-style: chr7-103593785-C-A. GRCh37 (hg19) VCF-style: chr7-103234232-C-A.
Other names: c.3809G>T, p.Cys1270Phe (NM_173054.3); short protein forms C1270F.
Identifiers: ClinVar variation 1017943 (VCV001017943.8), dbSNP rs1831475457, ClinGen allele CA368757324.
Genomic context (GRCh38, chr7:103,593,785, plus strand): 5'-GTTACTGCAAATCGATCTCCATCTGATTTTCCAAATATCATTGCTGATGGTGTGGCAGCA[C>A]AGAAGGTTTCATTTTTAACCATTCCTTCATTAGCCAACATCAACCACACACTCATCTGAT-3'
Protein context (NP_005036.2, residues 1260-1280): NEGMVKNETF[Cys1270Phe]AATPSAMIFG